The following is an entry in ClinVar:

NM_002968.3(SALL1):c.866T>A (p.Leu289Ter)

Gene: SALL1 (spalt like transcription factor 1; minus strand). Cytogenetic location: 16q12.1.
Variant type: single nucleotide variant.
Coding change: c.866T>A on transcript NM_002968.3 (MANE Select); coding-DNA position 866, T replaced by A.
Protein change: p.Leu289Ter; replaces leucine 289 with a stop codon.
Molecular consequence: nonsense.
Genome position (GRCh38, 1-based): chr16:51,141,356, A>T on the plus strand (T>A on the coding strand, the complement: SALL1 is on the minus strand). VCF-style: chr16-51141356-A-T. GRCh37 (hg19) VCF-style: chr16-51175267-A-T.
Other names: c.575T>A, p.Leu192Ter (NM_001127892.2); short protein forms L289*, L192*.
Identifiers: ClinVar variation 528879 (VCV000528879.9), dbSNP rs1555475334, ClinGen allele CA395890552.

ClinVar aggregate classification (germline): Pathogenic (1 of 4 stars; one submission).

Conditions:
Townes syndrome (TBS). Also called: Townes-Brocks syndrome. Identifiers: Orphanet 857, MedGen C0265246, MeSH C536974, MONDO:0007142.

Submission:

Labcorp Genetics (formerly Invitae), Labcorp
Classification: Pathogenic for Townes syndrome. Last evaluated: 2017-12-21. Review status: criteria provided, single submitter. Criteria: Invitae Variant Classification Sherloc (09022015). Collection method: clinical testing. Allele origin: germline.
Comment: For these reasons, this variant has been classified as Pathogenic. This variant is expected to result in a truncated protein lacking all DZF domains which are critical for SALL1 protein function. This variant has not been reported in the literature in individuals with a SALL1-related disease. This variant is not present in population databases (ExAC no frequency). This sequence change results in a premature translational stop signal in the SALL1 gene (p.Leu289*). While this is not anticipated to result in nonsense mediated decay, it is expected to delete the last 1036 amino acids (~78%) of the SALL1 protein.